The following is an entry in ClinVar:

NM_000059.4(BRCA2):c.5763del (p.Phe1921fs)

Gene: BRCA2 (BRCA2 DNA repair associated; plus strand). Cytogenetic location: 13q13.1.
Variant type: Deletion.
Coding change: c.5763del on transcript NM_000059.4 (MANE Select); coding-DNA position 5763, one base deleted (T; older notation c.5763delT).
Protein change: p.Phe1921fs; shifts the reading frame from phenylalanine 1921.
Molecular consequence: frameshift variant.
Genome position (GRCh38, 1-based): chr13:32,340,118, T deleted; the last of 5 consecutive T bases (chr13:32,340,114-32,340,118); deleting any one gives the same sequence. VCF-style (leftmost placement, unchanged base first): chr13-32340113-GT-G. GRCh37 (hg19) VCF-style: chr13-32914250-GT-G.
Other names: c.5763delT (NM_000059.3); short protein forms F1921fs.
Identifiers: ClinVar variation 185292 (VCV000185292.17), dbSNP rs80359534, ClinGen allele CA023173.

ClinVar aggregate classification (germline): Pathogenic. Review status: reviewed by expert panel (3 of 4 stars). 4 submissions from 4 submitters: Pathogenic (1). 3 of the submissions do not count toward it. Last evaluated 2016-09-08.

Conditions:
Hereditary cancer-predisposing syndrome. Also called: Tumor predisposition; Hereditary Cancer Syndrome; Hereditary neoplastic syndrome; Neoplastic Syndromes, Hereditary. Identifiers: Orphanet 140162, MedGen C0027672, MeSH D009386, MONDO:0015356.
Hereditary breast ovarian cancer syndrome. Also called: Breast and ovarian cancer; Hereditary breast and ovarian cancer syndrome; Hereditary breast and ovarian cancer; BRCA1- and BRCA2-Associated Hereditary Breast and Ovarian Cancer; Hereditary breast and ovarian cancer syndrome (HBOC); Hereditary breast and/or ovarian cancer syndrome. Identifiers: Orphanet 145, MedGen C0677776, MeSH D061325, MONDO:0003582. Disease mechanism: loss of function.
Breast-ovarian cancer, familial, susceptibility to, 2 (BROVCA2). Also called: BRCA2 Hereditary Breast and Ovarian Cancer. Identifiers: Orphanet 145, MedGen C2675520, MONDO:0012933, OMIM 612555. Disease mechanism: loss of function.
Familial cancer of breast. Also called: BREAST CANCER, FAMILIAL; hereditary breast carcinoma; Hereditary breast cancer. Identifiers: Orphanet 227535, MedGen C0346153, MONDO:0016419, OMIM 114480. Disease mechanism: loss of function.

Submissions (4):

Evidence-based Network for the Interpretation of Germline Mutant Alleles (ENIGMA)
Classification: Pathogenic for Breast-ovarian cancer, familial, susceptibility to, 2. Last evaluated: 2016-09-08. Review status: reviewed by expert panel. Criteria: ENIGMA BRCA1/2 Classification Criteria (2015). Collection method: curation. Allele origin: germline.
Comment: Variant allele predicted to encode a truncated non-functional protein.

Labcorp Genetics (formerly Invitae), Labcorp
Classification: Pathogenic for Hereditary breast ovarian cancer syndrome. Last evaluated: 2024-12-23. Review status: criteria provided, single submitter. Criteria: Invitae Variant Classification Sherloc (09022015). Collection method: clinical testing. Allele origin: germline. Not counted in ClinVar's aggregate classification.
Comment: This sequence change creates a premature translational stop signal (p.Phe1921Leufs*42) in the BRCA2 gene. It is expected to result in an absent or disrupted protein product. Loss-of-function variants in BRCA2 are known to be pathogenic (PMID: 20104584). This variant is not present in population databases (gnomAD no frequency). This variant has not been reported in the literature in individuals affected with BRCA2-related conditions. ClinVar contains an entry for this variant (Variation ID: 185292). For these reasons, this variant has been classified as Pathogenic.

Baylor Genetics
Classification: Likely pathogenic for Familial cancer of breast. Last evaluated: 2024-01-08. Review status: criteria provided, single submitter. Criteria: ACMG Guidelines, 2015. Collection method: clinical testing. Allele origin: unknown. Not counted in ClinVar's aggregate classification.

Ambry Genetics
Classification: Pathogenic for Hereditary cancer-predisposing syndrome. Last evaluated: 2021-12-03. Review status: criteria provided, single submitter. Criteria: Ambry Variant Classification Scheme 2023. Collection method: clinical testing. Allele origin: germline. Not counted in ClinVar's aggregate classification.
Comment: The c.5763delT pathogenic mutation, located in coding exon 10 of the BRCA2 gene, results from a deletion of one nucleotide at nucleotide position 5763, causing a translational frameshift with a predicted alternate stop codon (p.F1921Lfs*42). This variant is considered to be rare based on population cohorts in the Genome Aggregation Database (gnomAD). This alteration is expected to result in loss of function by premature protein truncation or nonsense-mediated mRNA decay. As such, this alteration is interpreted as a disease-causing mutation.

Literature cited by the submitters: PubMed 20104584 (cited by Labcorp Genetics (formerly Invitae), Labcorp).